The following is an entry in ClinVar:

ClinVar aggregate classification (germline): Benign. Review status: criteria provided, multiple submitters, no conflicts (2 of 4 stars). 2 submissions from 2 submitters: Benign (2). Last evaluated 2018-06-14.

Allele frequency attached by ClinVar (database versions not stated): 1000 Genomes Project 0.55511; 1000 Genomes Project 30x 0.56152; TOPMed 0.63249; gnomAD 0.66699.
gnomAD v4.1: 97,976 of 146,988 alleles (67%); highest among the groups gnomAD compares: Non-Finnish European, 72%; 32,572 homozygotes.

Submissions (2):

GeneDx
Classification: Benign. Last evaluated: 2018-06-14. Review status: criteria provided, single submitter. Criteria: GeneDx Variant Classification (06012015). Collection method: clinical testing. Allele origin: germline. Affected: yes.
Comment: This variant is considered likely benign or benign based on one or more of the following criteria: it is a conservative change, it occurs at a poorly conserved position in the protein, it is predicted to be benign by multiple in silico algorithms, and/or has population frequency not consistent with disease.

Breakthrough Genomics
Classification: Benign. Review status: criteria provided, single submitter. Criteria: ACMG Guidelines, 2015. Collection method: not provided. Allele origin: germline. Inheritance: Autosomal recessive inheritance. Affected: yes.

NM_032578.4(MYPN):c.2565-182A>T

Gene: MYPN (myopalladin; plus strand). Cytogenetic location: 10q21.3.
Variant type: single nucleotide variant.
Coding change: c.2565-182A>T on transcript NM_032578.4 (MANE Select); 182 bases into the intron before coding-DNA position 2565, A replaced by T.
Molecular consequence: intron variant.
Genome position (GRCh38, 1-based): chr10:68,175,141, A>T. VCF-style: chr10-68175141-A-T. GRCh37 (hg19) VCF-style: chr10-69934898-A-T.
Other names: c.2565-182A>T (NM_001256267.2); c.1683-182A>T (NM_001256268.2).
Identifiers: ClinVar variation 674132 (VCV000674132.2), dbSNP rs11330485, ClinGen allele CA13222921.
Genomic context (GRCh38, chr10:68,175,141, plus strand): 5'-AGCCGAGATCACACCACTGCACTCCAGCCTGGATGACAGAGACTCTGTCTCAAAAAAAAA[A>T]TTTTTTAAATTAAAGTATCAAAAAGACCTTTACAAATACCGATTCTCTGCACAGGGCTTA-3'